The following is an entry in ClinVar:

NM_003114.5(SPAG1):c.105T>G (p.Asp35Glu)

Gene: SPAG1 (sperm associated antigen 1; plus strand). Cytogenetic location: 8q22.2.
Variant type: single nucleotide variant.
Coding change: c.105T>G on transcript NM_003114.5 (MANE Select); coding-DNA position 105, T replaced by G.
Protein change: p.Asp35Glu; replaces aspartic acid 35 with glutamic acid.
Molecular consequence: missense variant.
Genome position (GRCh38, 1-based): chr8:100,162,385, T>G. VCF-style: chr8-100162385-T-G. GRCh37 (hg19) VCF-style: chr8-101174613-T-G.
Other names: c.105T>G, p.Asp35Glu (NM_001374321.1, NM_172218.3); short protein forms D35E.
Identifiers: ClinVar variation 658911 (VCV000658911.9), dbSNP rs759906925, ClinGen allele CA371819456.

ClinVar aggregate classification (germline): Uncertain significance. Review status: criteria provided, multiple submitters, no conflicts (2 of 4 stars). 3 submissions from 3 submitters: Uncertain significance (3). Last evaluated 2026-09-23.

Conditions:
SPAG1-related disorder. Also called: SPAG1-related condition.
Primary ciliary dyskinesia 28. Also called: CILIARY DYSKINESIA, PRIMARY, 28, WITH OR WITHOUT SITUS INVERSUS. Identifiers: Orphanet 244, MedGen C3809706, MONDO:0014216, OMIM 615505.
Primary ciliary dyskinesia. Also called: Ciliary dyskinesia. Identifiers: Orphanet 244, MedGen C0008780, MONDO:0016575, HP:0012265.

Allele frequency attached by ClinVar (database versions not stated): TOPMed 0.00002.
gnomAD v4.1: 11 of 1,588,220 alleles (0.00069%); highest among the groups gnomAD compares: Admixed American, 0.019%; 1 homozygote.

Submissions (3):

PreventionGenetics, part of Exact Sciences
Classification: Uncertain significance for SPAG1-related condition. Last evaluated: 2026-09-23. Review status: criteria provided, single submitter. Criteria: ACMG Guidelines, 2015. Collection method: clinical testing. Allele origin: germline.
Comment: The SPAG1 c.105T>G variant is predicted to result in the amino acid substitution p.Asp35Glu. To our knowledge, this variant has not been reported in the literature. This variant is reported in 0.023% of alleles in individuals of Latino descent in gnomAD. At this time, the clinical significance of this variant is uncertain due to the absence of conclusive functional and genetic evidence.

Labcorp Genetics (formerly Invitae), Labcorp
Classification: Uncertain significance for Primary ciliary dyskinesia 28. Last evaluated: 2024-12-02. Review status: criteria provided, single submitter. Criteria: Invitae Variant Classification Sherloc (09022015). Collection method: clinical testing. Allele origin: germline.
Comment: This sequence change replaces aspartic acid, which is acidic and polar, with glutamic acid, which is acidic and polar, at codon 35 of the SPAG1 protein (p.Asp35Glu). This variant is present in population databases (no rsID available, gnomAD 0.02%), including at least one homozygous and/or hemizygous individual. This variant has not been reported in the literature in individuals affected with SPAG1-related conditions. ClinVar contains an entry for this variant (Variation ID: 658911). Invitae Evidence Modeling of protein sequence and biophysical properties (such as structural, functional, and spatial information, amino acid conservation, physicochemical variation, residue mobility, and thermodynamic stability) indicates that this missense variant is expected to disrupt SPAG1 protein function with a positive predictive value of 80%. In summary, the available evidence is currently insufficient to determine the role of this variant in disease. Therefore, it has been classified as a Variant of Uncertain Significance.

Ambry Genetics
Classification: Uncertain significance for Primary ciliary dyskinesia. Last evaluated: 2024-11-10. Review status: criteria provided, single submitter. Criteria: Ambry Variant Classification Scheme 2023. Collection method: clinical testing. Allele origin: germline.